The following is an entry in ClinVar:

NM_002880.4(RAF1):c.1811C>T (p.Ser604Phe)

Gene: RAF1 (Raf-1 proto-oncogene, serine/threonine kinase; minus strand). Cytogenetic location: 3p25.2.
Variant type: single nucleotide variant.
Coding change: c.1811C>T on transcript NM_002880.4 (MANE Select); coding-DNA position 1811, C replaced by T.
Protein change: p.Ser604Phe; replaces serine 604 with phenylalanine.
Molecular consequence: missense variant. On other transcripts: non-coding transcript variant (3).
Genome position (GRCh38, 1-based): chr3:12,584,650, G>A on the plus strand (C>T on the coding strand, the complement: RAF1 is on the minus strand). VCF-style: chr3-12584650-G-A. GRCh37 (hg19) VCF-style: chr3-12626149-G-A.
Other names: c.1712C>T, p.Ser571Phe (NM_001354693.3); c.1628C>T, p.Ser543Phe (NM_001354694.3); c.1469C>T, p.Ser490Phe (NM_001354695.3); c.1871C>T, p.Ser624Phe (NM_001354689.3); c.1811C>T, p.Ser604Phe (NM_001354690.3); c.1568C>T, p.Ser523Phe (NM_001354691.3, NM_001354692.3); short protein forms S523F, S571F, S604F, S490F, S543F, S624F.
Identifiers: ClinVar variation 1971876 (VCV001971876.5), dbSNP rs748925179, ClinGen allele CA2259388.
Genomic context (GRCh38, chr3:12,584,650, plus strand): 5'-GATGGCTCGGAAGCGCTCCGGTTGATCTTCGGTAGAGAGTGTTGGAGCAGCTCAATGGAA[G>A]ACAGGATCTGAAACAAAGCCCAAGAATGCTCTCATTAGCTGTGTCTCAAAGACACAGGAT-3'
Protein context (NP_002871.1, residues 594-614): EERPLFPQIL[Ser604Phe]SIELLQHSLP

ClinVar aggregate classification (germline): Uncertain significance (1 of 4 stars; one submission).

Conditions:
RASopathy. Also called: rasopathies; Noonan spectrum disorder. Identifiers: Orphanet 536391, MedGen C5555857, MONDO:0021060.

Allele frequency attached by ClinVar (database versions not stated): ExAC 0.00001; gnomAD 0.00001.
gnomAD v4.1: 1 of 1,614,014 alleles (0.000062%); highest among the groups gnomAD compares: Non-Finnish European, 0.000085%; no homozygotes.

Submission:

Labcorp Genetics (formerly Invitae), Labcorp
Classification: Uncertain significance for RASopathy. Last evaluated: 2022-09-11. Review status: criteria provided, single submitter. Criteria: Invitae Variant Classification Sherloc (09022015). Collection method: clinical testing. Allele origin: germline.
Comment: This variant has not been reported in the literature in individuals affected with RAF1-related conditions. In summary, the available evidence is currently insufficient to determine the role of this variant in disease. Therefore, it has been classified as a Variant of Uncertain Significance. Advanced modeling of protein sequence and biophysical properties (such as structural, functional, and spatial information, amino acid conservation, physicochemical variation, residue mobility, and thermodynamic stability) has been performed at Invitae for this missense variant, however the output from this modeling did not meet the statistical confidence thresholds required to predict the impact of this variant on RAF1 protein function. This variant is not present in population databases (gnomAD no frequency). This sequence change replaces serine, which is neutral and polar, with phenylalanine, which is neutral and non-polar, at codon 604 of the RAF1 protein (p.Ser604Phe).